The following is an entry in ClinVar:

NM_032638.5(GATA2):c.1411del (p.His471fs)

Gene: GATA2 (GATA binding protein 2; minus strand). Cytogenetic location: 3q21.3.
Variant type: Deletion.
Coding change: c.1411del on transcript NM_032638.5 (MANE Select); coding-DNA position 1411, one base deleted (C; older notation c.1411delC).
Protein change: p.His471fs; shifts the reading frame from histidine 471.
Molecular consequence: frameshift variant.
Genome position (GRCh38, 1-based): chr3:128,481,051, G deleted on the plus strand (C on the coding strand, the reverse complement: GATA2 is on the minus strand); the first of 5 consecutive G bases (chr3:128,481,051-128,481,055); deleting any one gives the same sequence. VCF-style (leftmost placement, unchanged base first): chr3-128481050-TG-T. GRCh37 (hg19) VCF-style: chr3-128199893-TG-T.
Other names: c.1411del, p.His471fs (NM_001145661.2); c.1369del, p.His457fs (NM_001145662.1); c.1411delC (NM_032638.4); short protein forms H457fs, H471fs.
Identifiers: ClinVar variation 4871677 (VCV004871677.1).

ClinVar aggregate classification (germline): Uncertain significance (1 of 4 stars; one submission).

Conditions:
Inborn genetic diseases. Identifiers: MedGen C0950123, MeSH D030342.

Submission:

Ambry Genetics
Classification: Uncertain significance for Inborn genetic diseases. Last evaluated: 2026-04-06. Review status: criteria provided, single submitter. Criteria: Ambry Variant Classification Scheme 2023. Collection method: clinical testing. Allele origin: germline.
Comment: The c.1411delC variant, located in coding exon 5 of the GATA2 gene, results from a deletion of one nucleotide at nucleotide position 1411, causing a translational frameshift with a predicted alternate stop codon (p.H471Tfs*6). This variant occurs at the 3' terminus of the gene, is not expected to trigger nonsense-mediated mRNAdecay, and impacts the last 10 amino acids of the protein. The exact functional effect of this variant is unknown. Based on the available evidence, the clinical significance of this variant remains unclear.